The following is an entry in ClinVar:

NM_000492.4(CFTR):c.2426C>T (p.Ser809Leu)

Gene: CFTR (CF transmembrane conductance regulator; plus strand). Cytogenetic location: 7q31.2.
Variant type: single nucleotide variant.
Coding change: c.2426C>T on transcript NM_000492.4 (MANE Select); coding-DNA position 2426, C replaced by T.
Protein change: p.Ser809Leu; replaces serine 809 with leucine.
Molecular consequence: missense variant.
Genome position (GRCh38, 1-based): chr7:117,592,593, C>T. VCF-style: chr7-117592593-C-T. GRCh37 (hg19) VCF-style: chr7-117232647-C-T.
Other names: short protein forms S809L.
Identifiers: ClinVar variation 2148411 (VCV002148411.3), dbSNP rs1457971953, ClinGen allele CA368981239.

ClinVar aggregate classification (germline): Uncertain significance. Review status: criteria provided, multiple submitters, no conflicts (2 of 4 stars). 2 submissions from 2 submitters: Uncertain significance (2). Last evaluated 2026-01-04.

Conditions:
Cystic fibrosis (CF). Also called: MUCOVISCIDOSIS. Identifiers: Orphanet 586, MedGen C0010674, MONDO:0009061, OMIM 219700. Disease mechanism: loss of function.

Submissions (2):

Labcorp Genetics (formerly Invitae), Labcorp
Classification: Uncertain significance for Cystic fibrosis. Last evaluated: 2026-01-04. Review status: criteria provided, single submitter. Criteria: Invitae Variant Classification Sherloc (09022015). Collection method: clinical testing. Allele origin: germline.
Comment: This sequence change replaces serine, which is neutral and polar, with leucine, which is neutral and non-polar, at codon 809 of the CFTR protein (p.Ser809Leu). This variant is not present in population databases (gnomAD no frequency). This variant has not been reported in the literature in individuals affected with CFTR-related conditions. ClinVar contains an entry for this variant (Variation ID: 2148411). Invitae Evidence Modeling of protein sequence and biophysical properties (such as structural, functional, and spatial information, amino acid conservation, physicochemical variation, residue mobility, and thermodynamic stability) indicates that this missense variant is not expected to disrupt CFTR protein function with a negative predictive value of 80%. In summary, the available evidence is currently insufficient to determine the role of this variant in disease. Therefore, it has been classified as a Variant of Uncertain Significance.

Ambry Genetics
Classification: Uncertain significance for Cystic fibrosis. Last evaluated: 2025-02-08. Review status: criteria provided, single submitter. Criteria: Ambry Variant Classification Scheme 2023. Collection method: clinical testing. Allele origin: germline.
Comment: The p.S809L variant (also known as c.2426C>T), located in coding exon 14 of the CFTR gene, results from a C to T substitution at nucleotide position 2426. The serine at codon 809 is replaced by leucine, an amino acid with dissimilar properties. This amino acid position is conserved. In addition, the in silico prediction for this alteration is inconclusive. Based on the available evidence, the clinical significance of this variant remains unclear.